The following is an entry in ClinVar:

ClinVar aggregate classification (germline): Benign/Likely benign. Review status: criteria provided, multiple submitters, no conflicts (2 of 4 stars). 7 submissions from 6 submitters: Benign (4); Likely benign (2). 1 of the submissions does not count toward it. Last evaluated 2026-02-02.

Conditions:
Joubert syndrome 24 (JBTS24). Identifiers: Orphanet 475, MedGen C4084841, MONDO:0014724, OMIM 616654.
Meckel-Gruber syndrome. Also called: DYSENCEPHALIA SPLANCHNOCYSTICA; GRUBER SYNDROME; Dysencephalia splachnocystica. Identifiers: Orphanet 564, MedGen C0265215, MONDO:0018921.
Joubert syndrome. Also called: CEREBELLOPARENCHYMAL DISORDER IV; Familial aplasia of the vermis; JOUBERT-BOLTSHAUSER SYNDROME. Identifiers: Orphanet 475, MedGen C5979921, MONDO:0018772.
Meckel syndrome, type 8. Identifiers: Orphanet 564, MedGen C3836857, MONDO:0013482, OMIM 613885.

Allele frequency attached by ClinVar (database versions not stated): 1000 Genomes Project 30x 0.00921; TOPMed 0.00971; 1000 Genomes Project 0.00978; gnomAD 0.01030 and 0.01120; ESP Exome Variant Server 0.01292; gnomAD exomes 0.01432 and 0.01744; ExAC 0.01476.

Submissions (7):

Labcorp Genetics (formerly Invitae), Labcorp
Classification: Benign for Joubert syndrome; Meckel-Gruber syndrome. Last evaluated: 2026-02-02. Review status: criteria provided, single submitter. Criteria: Invitae Variant Classification Sherloc (09022015). Collection method: clinical testing. Allele origin: germline.

Illumina Laboratory Services, Illumina
Classification: Likely benign for Meckel syndrome, type 8. Last evaluated: 2017-04-27. Review status: criteria provided, single submitter. Criteria: ICSL Variant Classification Criteria 13 December 2019. Collection method: clinical testing. Allele origin: germline.
Comment: This variant was observed as part of a predisposition screen in an ostensibly healthy population. A literature search was performed for the gene, cDNA change, and amino acid change (where applicable). No publications were found based on this search. Allele frequency data from public databases allowed determination this variant is unlikely to cause disease. Therefore, this variant is classified as likely benign.

Illumina Laboratory Services, Illumina
Classification: Benign for Joubert syndrome 24. Last evaluated: 2017-04-27. Review status: criteria provided, single submitter. Criteria: ICSL Variant Classification Criteria 13 December 2019. Collection method: clinical testing. Allele origin: germline.
Comment: This variant was observed as part of a predisposition screen in an ostensibly healthy population. A literature search was performed for the gene, cDNA change, and amino acid change (where applicable). No publications were found based on this search. Allele frequency data from public databases was too high to be consistent with this variant causing disease. Therefore, this variant is classified as benign.

GeneDx
Classification: Benign. Last evaluated: 2016-09-06. Review status: criteria provided, single submitter. Criteria: GeneDx Variant Classification (06012015). Collection method: clinical testing. Allele origin: germline. Affected: yes.
Comment: This variant is considered likely benign or benign based on one or more of the following criteria: it is a conservative change, it occurs at a poorly conserved position in the protein, it is predicted to be benign by multiple in silico algorithms, and/or has population frequency not consistent with disease.

Breakthrough Genomics
Classification: Likely benign. Review status: criteria provided, single submitter. Criteria: ACMG Guidelines, 2015. Collection method: not provided. Allele origin: germline. Inheritance: Autosomal recessive inheritance. Affected: yes.

PreventionGenetics, part of Exact Sciences
Classification: Benign. Review status: criteria provided, single submitter. Criteria: ACMG Guidelines, 2015. Collection method: clinical testing. Allele origin: germline.

Genetic Services Laboratory, University of Chicago
Classification: Likely benign for AllHighlyPenetrant. Review status: no assertion criteria provided. Collection method: clinical testing. Allele origin: germline. Inheritance: Autosomal recessive inheritance. Observed: 3 variant alleles. Not counted in ClinVar's aggregate classification.
Comment: Likely benign based on allele frequency in 1000 Genomes Project or ESP global frequency and its presence in a patient with a rare or unrelated disease phenotype. NOT Sanger confirmed.

NM_024809.5(TCTN2):c.898C>T (p.Leu300=)

Gene: TCTN2 (tectonic family member 2; plus strand). Cytogenetic location: 12q24.31.
Variant type: single nucleotide variant.
Coding change: c.898C>T on transcript NM_024809.5 (MANE Select); coding-DNA position 898, C replaced by T.
Protein change: p.Leu300=; no amino-acid change (leucine 300 retained).
Molecular consequence: synonymous variant.
Genome position (GRCh38, 1-based): chr12:123,690,539, C>T. VCF-style: chr12-123690539-C-T. GRCh37 (hg19) VCF-style: chr12-124175086-C-T.
Other names: c.895C>T, p.Leu299= (NM_001143850.3).
Identifiers: ClinVar variation 126295 (VCV000126295.22), dbSNP rs77804131, ClinGen allele CA150974.
Genomic context (GRCh38, chr12:123,690,539, plus strand): 5'-TTGTATGATTAGGAGAGAGGCCATAAATCTGTTGGCTTTGCCCTTCTCCCTCAGGTGTCC[C>T]TGGCTGGGCAGTGTATGCAGAACGCCCCAGTGGCATTTCTTCACAATTTTGATGTTAAAT-3'
Protein context (NP_079085.2, residues 290-310): KAYFTIPQVS[Leu300=]AGQCMQNAPV